The following is an entry in ClinVar:

ClinVar aggregate classification (germline): Uncertain significance (1 of 4 stars; one submission).

Allele frequency attached by ClinVar (database versions not stated): gnomAD 0.00001; gnomAD exomes 0.00001; TOPMed 0.00001; ExAC 0.00002.

Submission:

Labcorp Genetics (formerly Invitae), Labcorp
Classification: Uncertain significance. Last evaluated: 2023-04-20. Review status: criteria provided, single submitter. Criteria: Invitae Variant Classification Sherloc (09022015). Collection method: clinical testing. Allele origin: germline.
Comment: In summary, the available evidence is currently insufficient to determine the role of this variant in disease. Therefore, it has been classified as a Variant of Uncertain Significance. An algorithm developed to predict the effect of missense changes on protein structure and function (PolyPhen-2) suggests that this variant is likely to be disruptive. This variant has not been reported in the literature in individuals affected with PALM-related conditions. This variant is present in population databases (rs757576004, gnomAD 0.02%). This sequence change replaces methionine, which is neutral and non-polar, with threonine, which is neutral and polar, at codon 164 of the PALM protein (p.Met164Thr).

NM_002579.3(PALM):c.491T>C (p.Met164Thr)

Gene: PALM (paralemmin; plus strand). Cytogenetic location: 19p13.3.
Variant type: single nucleotide variant.
Coding change: c.491T>C on transcript NM_002579.3 (MANE Select); coding-DNA position 491, T replaced by C.
Protein change: p.Met164Thr; replaces methionine 164 with threonine.
Molecular consequence: missense variant.
Genome position (GRCh38, 1-based): chr19:736,067, T>C. VCF-style: chr19-736067-T-C. GRCh37 (hg19) VCF-style: chr19-736067-T-C.
Other names: c.491T>C, p.Met164Thr (NM_001040134.2); short protein forms M164T.
Identifiers: ClinVar variation 2982106 (VCV002982106.3), dbSNP rs757576004, ClinGen allele CA9022652.